The following is an entry in ClinVar:

NM_144643.4(SCLT1):c.326A>G (p.Lys109Arg)

Gene: SCLT1 (sodium channel and clathrin linker 1; minus strand). Cytogenetic location: 4q28.2.
Variant type: single nucleotide variant.
Coding change: c.326A>G on transcript NM_144643.4 (MANE Select); coding-DNA position 326, A replaced by G.
Protein change: p.Lys109Arg; replaces lysine 109 with arginine.
Molecular consequence: missense variant.
Genome position (GRCh38, 1-based): chr4:129,003,841, T>C on the plus strand (A>G on the coding strand, the complement: SCLT1 is on the minus strand). VCF-style: chr4-129003841-T-C. GRCh37 (hg19) VCF-style: chr4-129924996-T-C.
Other names: c.326A>G, p.Lys109Arg (NM_001410807.1); short protein forms K109R.
Identifiers: ClinVar variation 2096793 (VCV002096793.4), dbSNP rs754073526, ClinGen allele CA3079983.

ClinVar aggregate classification (germline): Uncertain significance (1 of 4 stars; one submission).

Allele frequency attached by ClinVar (database versions not stated): ExAC 0.00001.

Submission:

Labcorp Genetics (formerly Invitae), Labcorp
Classification: Uncertain significance. Last evaluated: 2022-03-04. Review status: criteria provided, single submitter. Criteria: Invitae Variant Classification Sherloc (09022015). Collection method: clinical testing. Allele origin: germline.
Comment: Algorithms developed to predict the effect of missense changes on protein structure and function output the following: SIFT: "Tolerated"; PolyPhen-2: "Benign"; Align-GVGD: "Class C0". The arginine amino acid residue is found in multiple mammalian species, which suggests that this missense change does not adversely affect protein function. In summary, the available evidence is currently insufficient to determine the role of this variant in disease. Therefore, it has been classified as a Variant of Uncertain Significance. This variant has not been reported in the literature in individuals affected with SCLT1-related conditions. This sequence change replaces lysine, which is basic and polar, with arginine, which is basic and polar, at codon 109 of the SCLT1 protein (p.Lys109Arg). This variant is present in population databases (rs754073526, gnomAD 0.003%).